The following is an entry in ClinVar:

NM_001005361.3(DNM2):c.1196+686A>G

Gene: DNM2 (dynamin 2; plus strand). Cytogenetic location: 19p13.2.
Variant type: single nucleotide variant.
Coding change: c.1196+686A>G on transcript NM_001005361.3 (MANE Select); 686 bases into the intron after coding-DNA position 1196, A replaced by G.
Molecular consequence: intron variant. On other transcripts: missense variant (3).
Genome position (GRCh38, 1-based): chr19:10,796,125, A>G. VCF-style: chr19-10796125-A-G. GRCh37 (hg19) VCF-style: chr19-10906801-A-G.
Other names: c.1261A>G, p.Lys421Glu (NM_001005360.3, NM_001190716.2, NM_004945.4); c.1196+686A>G (NM_001005362.3); short protein forms K421E.
Identifiers: ClinVar variation 3013630 (VCV003013630.3), dbSNP rs1047420749, ClinGen allele CA305281607.

ClinVar aggregate classification (germline): Uncertain significance (1 of 4 stars; one submission).

Conditions:
Charcot-Marie-Tooth disease dominant intermediate B (CMTDIB). Also called: CHARCOT-MARIE-TOOTH NEUROPATHY, DOMINANT INTERMEDIATE B; Charcot-Marie-Tooth disease dominant intermediate 1; CMT DI1; Charcot-Marie-Tooth disease dominant intermediate I. Identifiers: Orphanet 100044, Orphanet 228179, MedGen C1847902, MONDO:0011674, OMIM 606482.

Allele frequency attached by ClinVar (database versions not stated): gnomAD exomes below 0.00001; TOPMed 0.00002; gnomAD 0.00003.
gnomAD v4.1: 10 of 1,614,056 alleles (0.00062%); highest among the groups gnomAD compares: African/African-American, 0.008%; no homozygotes.

Submission:

Labcorp Genetics (formerly Invitae), Labcorp
Classification: Uncertain significance for Charcot-Marie-Tooth disease dominant intermediate B. Last evaluated: 2024-09-03. Review status: criteria provided, single submitter. Criteria: Invitae Variant Classification Sherloc (09022015). Collection method: clinical testing. Allele origin: germline.
Comment: This sequence change replaces lysine, which is basic and polar, with glutamic acid, which is acidic and polar, at codon 421 of the DNM2 protein (p.Lys421Glu). This variant is present in population databases (no rsID available, gnomAD 0.02%). This variant has not been reported in the literature in individuals affected with DNM2-related conditions. Invitae Evidence Modeling of protein sequence and biophysical properties (such as structural, functional, and spatial information, amino acid conservation, physicochemical variation, residue mobility, and thermodynamic stability) has been performed for this missense variant. However, the output from this modeling did not meet the statistical confidence thresholds required to predict the impact of this variant on DNM2 protein function. In summary, the available evidence is currently insufficient to determine the role of this variant in disease. Therefore, it has been classified as a Variant of Uncertain Significance.